The following is an entry in ClinVar:

NM_138694.4(PKHD1):c.8735C>T (p.Thr2912Ile)

Gene: PKHD1 (PKHD1 ciliary IPT domain containing fibrocystin/polyductin; minus strand). Cytogenetic location: 6p12.3.
Variant type: single nucleotide variant.
Coding change: c.8735C>T on transcript NM_138694.4 (MANE Select); coding-DNA position 8735, C replaced by T.
Protein change: p.Thr2912Ile; replaces threonine 2912 with isoleucine.
Molecular consequence: missense variant.
Genome position (GRCh38, 1-based): chr6:51,754,846, G>A on the plus strand (C>T on the coding strand, the complement: PKHD1 is on the minus strand). VCF-style: chr6-51754846-G-A. GRCh37 (hg19) VCF-style: chr6-51619644-G-A.
Other names: c.8735C>T, p.Thr2912Ile (NM_170724.3); short protein forms T2912I.
Identifiers: ClinVar variation 1314289 (VCV001314289.2), dbSNP rs145175102, ClinGen allele CA3851542.

ClinVar aggregate classification (germline): Uncertain significance (1 of 4 stars; one submission).

Allele frequency attached by ClinVar (database versions not stated): ExAC 0.00001; gnomAD exomes 0.00001 and 0.00003; TOPMed 0.00002; gnomAD 0.00003; ESP Exome Variant Server 0.00008.
gnomAD v4.1: 53 of 1,613,304 alleles (0.0033%); highest among the groups gnomAD compares: Non-Finnish European, 0.0036%; no homozygotes.

Submission:

GeneDx
Classification: Uncertain significance. Last evaluated: 2021-03-25. Review status: criteria provided, single submitter. Criteria: GeneDx Variant Classification Process June 2021. Collection method: clinical testing. Allele origin: germline. Affected: yes.
Comment: Not observed at a significant frequency in large population cohorts (Lek et al., 2016); In silico analysis supports that this missense variant has a deleterious effect on protein structure/function; Has not been previously published as pathogenic or benign to our knowledge